The following is an entry in ClinVar:

ClinVar aggregate classification (germline): Likely pathogenic (1 of 4 stars; one submission).

Allele frequency attached by ClinVar (database versions not stated): ExAC 0.00001; gnomAD exomes 0.00001 and 0.00002; TOPMed 0.00001; gnomAD 0.00002.
gnomAD v4.1: 38 of 1,613,336 alleles (0.0024%); highest among the groups gnomAD compares: Non-Finnish European, 0.003%; no homozygotes.

Submission:

GeneDx
Classification: Likely pathogenic. Last evaluated: 2015-09-14. Review status: criteria provided, single submitter. Criteria: GeneDx Variant Classification (06012015). Collection method: clinical testing. Allele origin: germline. Affected: yes.
Comment: The S1002L variant in the UBE3B gene has not been published as a pathogenic variant, nor has it been reported as a benign polymorphism to our knowledge. The S1002L variant was not observed in approximately 6500 individuals of European and African American ancestry in the NHLBI Exome Sequencing Project, indicating it is not a common benign variant in these populations. The S1002L variant is a non-conservative amino acid substitution, which is likely to impact secondary protein structure as these residues differ in polarity, charge, size and/or other properties. This substitution occurs at a position, within the HECT domain, that is conserved across species. In silico analysis is inconsistent in its predictions as to whether or not the variant is damaging to the protein structure/function. The S1002L variant is a strong candidate for a disease-causing variant, however the possibility it may be a rare benign variant cannot be excluded.

NM_130466.4(UBE3B):c.3005C>T (p.Ser1002Leu)

Gene: UBE3B (ubiquitin protein ligase E3B; plus strand). Cytogenetic location: 12q24.11.
Variant type: single nucleotide variant.
Coding change: c.3005C>T on transcript NM_130466.4 (MANE Select); coding-DNA position 3005, C replaced by T.
Protein change: p.Ser1002Leu; replaces serine 1002 with leucine.
Molecular consequence: missense variant.
Genome position (GRCh38, 1-based): chr12:109,533,548, C>T. VCF-style: chr12-109533548-C-T. GRCh37 (hg19) VCF-style: chr12-109971353-C-T.
Other names: c.3005C>T, p.Ser1002Leu (NM_183415.3); short protein forms S1002L.
Identifiers: ClinVar variation 430368 (VCV000430368.2), dbSNP rs754032570, ClinGen allele CA6778393.
Genomic context (GRCh38, chr12:109,533,548, plus strand): 5'-CCCCGCTCCTGGGATTCGCCTACCTCAAGCCTCCATTCTCCATCCGCTGCGTGGAGGTGT[C>T]GGACGATCAGGTACCCCCACGGGGTGGGTGGGGAAGAGCCTTGACTTCCCTCTTGGTGGT-3'
Protein context (NP_569733.2, residues 992-1012): PPFSIRCVEV[Ser1002Leu]DDQDTGDTLG